The following is an entry in ClinVar:

ClinVar aggregate classification (germline): Pathogenic (1 of 4 stars; one submission).

Conditions:
Hereditary hyperekplexia. Identifiers: Orphanet 3197, MedGen C4084968, MONDO:0021022.

Allele frequency attached by ClinVar (database versions not stated): gnomAD exomes below 0.00001 and 0.00001; ExAC 0.00001; gnomAD 0.00001; TOPMed 0.00001.

Submission:

Labcorp Genetics (formerly Invitae), Labcorp
Classification: Pathogenic for Hereditary hyperekplexia. Last evaluated: 2022-11-15. Review status: criteria provided, single submitter. Criteria: Invitae Variant Classification Sherloc (09022015). Collection method: clinical testing. Allele origin: germline.
Comment: This variant has not been reported in the literature in individuals affected with GLRA1-related conditions. For these reasons, this variant has been classified as Pathogenic. ClinVar contains an entry for this variant (Variation ID: 1431352). This variant is present in population databases (rs750107200, gnomAD 0.0009%). This sequence change creates a premature translational stop signal (p.Phe127Serfs*20) in the GLRA1 gene. It is expected to result in an absent or disrupted protein product. Loss-of-function variants in GLRA1 are known to be pathogenic (PMID: 20631190, 24108130).

Literature cited by the submitters: PubMed 20631190; PubMed 24108130.

NM_000171.4(GLRA1):c.378del (p.Phe127fs)

Gene: GLRA1 (glycine receptor alpha 1; minus strand). Cytogenetic location: 5q33.1.
Variant type: Deletion.
Coding change: c.378del on transcript NM_000171.4 (MANE Select); coding-DNA position 378, one base deleted (G; older notation c.378delG).
Protein change: p.Phe127fs; shifts the reading frame from phenylalanine 127.
Molecular consequence: frameshift variant.
Genome position (GRCh38, 1-based): chr5:151,859,883, C deleted on the plus strand (G on the coding strand, the reverse complement: GLRA1 is on the minus strand). VCF-style (leftmost placement, unchanged base first): chr5-151859882-AC-A. GRCh37 (hg19) VCF-style: chr5-151239443-AC-A.
Other names: c.378del, p.Phe127fs (NM_001146040.2); c.129del, p.Phe44fs (NM_001292000.2); short protein forms F127fs, F44fs.
Identifiers: ClinVar variation 1431352 (VCV001431352.6), dbSNP rs750107200, ClinGen allele CA3523710.